The following is an entry in ClinVar:

ClinVar aggregate classification (germline): Uncertain significance (1 of 4 stars; one submission).

Allele frequency attached by ClinVar (database versions not stated): gnomAD exomes below 0.00001 and 0.00001; gnomAD 0.00001; TOPMed 0.00001; ExAC 0.00002; 1000 Genomes Project 30x 0.00016; 1000 Genomes Project 0.00020.
gnomAD v4.1: 6 of 1,605,876 alleles (0.00037%); highest among the groups gnomAD compares: East Asian, 0.0023%; no homozygotes.

Submission:

Labcorp Genetics (formerly Invitae), Labcorp
Classification: Uncertain significance. Last evaluated: 2021-05-31. Review status: criteria provided, single submitter. Criteria: Invitae Variant Classification Sherloc (09022015). Collection method: clinical testing. Allele origin: germline.
Comment: This variant has not been reported in the literature in individuals with SIPA1L3-related conditions. In summary, the available evidence is currently insufficient to determine the role of this variant in disease. Therefore, it has been classified as a Variant of Uncertain Significance. Algorithms developed to predict the effect of missense changes on protein structure and function (SIFT, PolyPhen-2, Align-GVGD) all suggest that this variant is likely to be disruptive, but these predictions have not been confirmed by published functional studies and their clinical significance is uncertain. This variant is present in population databases (rs563747592, ExAC 0.02%). This sequence change replaces arginine with tryptophan at codon 560 of the SIPA1L3 protein (p.Arg560Trp). The arginine residue is highly conserved and there is a moderate physicochemical difference between arginine and tryptophan.

NM_015073.3(SIPA1L3):c.1678C>T (p.Arg560Trp)

Gene: SIPA1L3 (signal induced proliferation associated 1 like 3; plus strand). Cytogenetic location: 19q13.13.
Variant type: single nucleotide variant.
Coding change: c.1678C>T on transcript NM_015073.3 (MANE Select); coding-DNA position 1678, C replaced by T.
Protein change: p.Arg560Trp; replaces arginine 560 with tryptophan.
Molecular consequence: missense variant.
Genome position (GRCh38, 1-based): chr19:38,099,974, C>T. VCF-style: chr19-38099974-C-T. GRCh37 (hg19) VCF-style: chr19-38590614-C-T.
Other names: short protein forms R560W.
Identifiers: ClinVar variation 1385213 (VCV001385213.8), dbSNP rs563747592, ClinGen allele CA9409453.